The following is an entry in ClinVar:

ClinVar aggregate classification (germline): Likely benign (1 of 4 stars; one submission).

Allele frequency attached by ClinVar (database versions not stated): gnomAD exomes 0.00126; gnomAD 0.00132; TOPMed 0.00162; ESP Exome Variant Server 0.00192; ExAC 0.00206.
gnomAD v4.1: 2,212 of 1,610,622 alleles (0.14%); highest among the groups gnomAD compares: Admixed American, 0.059%; 45 homozygotes.

Submission:

CeGaT Center for Human Genetics Tuebingen
Classification: Likely benign. Last evaluated: 2022-08-01. Review status: criteria provided, single submitter. Criteria: CeGaT Center For Human Genetics Tuebingen Variant Classification Criteria Version 2. Collection method: clinical testing. Allele origin: germline. Affected: yes. Observed: 1 variant allele.
Comment: PTPRR: BS2

NM_002849.4(PTPRR):c.745T>C (p.Tyr249His)

Gene: PTPRR (protein tyrosine phosphatase receptor type R; minus strand). Cytogenetic location: 12q15.
Variant type: single nucleotide variant.
Coding change: c.745T>C on transcript NM_002849.4 (MANE Select); coding-DNA position 745, T replaced by C.
Protein change: p.Tyr249His; replaces tyrosine 249 with histidine.
Molecular consequence: missense variant. On other transcripts: non-coding transcript variant (1).
Genome position (GRCh38, 1-based): chr12:70,746,080, A>G on the plus strand (T>C on the coding strand, the complement: PTPRR is on the minus strand). VCF-style: chr12-70746080-A-G. GRCh37 (hg19) VCF-style: chr12-71139860-A-G.
Other names: c.409T>C, p.Tyr137His (NM_001207015.2); c.127T>C, p.Tyr43His (NM_001207016.1); c.10T>C, p.Tyr4His (NM_130846.3); short protein forms Y137H, Y249H, Y43H, Y4H.
Identifiers: ClinVar variation 2643178 (VCV002643178.24), dbSNP rs35987017, ClinGen allele CA6685265.